The following is an entry in ClinVar:

NM_000344.4(SMN1):c.317del (p.Gly106fs)

Gene: SMN1 (survival of motor neuron 1, telomeric). Cytogenetic location: 5q13.2.
Variant type: Deletion.
Coding change: c.317del on transcript NM_000344.4 (MANE Select); coding-DNA position 317, one base deleted.
Protein change: p.Gly106fs; shifts the reading frame from glycine 106.
Molecular consequence: frameshift variant.
Genome position: GRCh38 VCF-style: chr5-70942399-CG-C. GRCh37 (hg19) VCF-style: chr5-70238226-CG-C.
Other names: c.317delG, p.Gly106Valfs (NM_000344.3); c.317del, p.Gly106fs (NM_001297715.1, NM_022874.2); short protein forms G106fs.
Identifiers: ClinVar variation 3571501 (VCV003571501.1).

ClinVar aggregate classification (germline): Likely pathogenic (1 of 4 stars; one submission).

Submission:

Athena Diagnostics
Classification: Likely pathogenic. Last evaluated: 2024-09-16. Review status: criteria provided, single submitter. Criteria: Athena Diagnostics Criteria. Collection method: clinical testing. Allele origin: unknown.
Comment: This variant is expected to result in the loss of a functional protein. Frequency data for this variant in the general population cannot be distinguished from that of the SMN2 gene, and is therefore uninformative in assessment of variant pathogenicity (Genome Aggregation Database (gnomAD), Cambridge, MA (URL)).